The following is an entry in ClinVar:

ClinVar aggregate classification (germline): Benign/Likely benign. Review status: criteria provided, multiple submitters, no conflicts (2 of 4 stars). 3 submissions from 3 submitters: Benign (1); Likely benign (2). Last evaluated 2024-09-20.

Conditions:
Hereditary diffuse gastric adenocarcinoma (HDGC). Also called: DIFFUSE GASTRIC AND LOBULAR BREAST CANCER SYNDROME. Identifiers: Orphanet 26106, MedGen C1708349, MONDO:0007648, OMIM 137215.
Hereditary cancer-predisposing syndrome. Also called: Hereditary neoplastic syndrome; Tumor predisposition; Neoplastic Syndromes, Hereditary; Hereditary Cancer Syndrome. Identifiers: Orphanet 140162, MedGen C0027672, MeSH D009386, MONDO:0015356.

Allele frequency attached by ClinVar (database versions not stated): TOPMed below 0.00001; gnomAD 0.00001.
gnomAD v4.1: 2 of 1,613,990 alleles (0.00012%); highest among the groups gnomAD compares: Non-Finnish European, 0.00017%; no homozygotes.

Submissions (3):

Myriad Genetics, Inc.
Classification: Benign for Hereditary diffuse gastric adenocarcinoma. Last evaluated: 2024-09-20. Review status: criteria provided, single submitter. Criteria: Myriad Autosomal Dominant, Autosomal Recessive and X-Linked Classification Criteria (2023). Collection method: clinical testing. Allele origin: unknown.
Comment: This variant is considered benign. This variant is a silent/synonymous amino acid change and it is not expected to impact splicing.

Labcorp Genetics (formerly Invitae), Labcorp
Classification: Likely benign for Hereditary diffuse gastric adenocarcinoma. Last evaluated: 2024-06-22. Review status: criteria provided, single submitter. Criteria: Invitae Variant Classification Sherloc (09022015). Collection method: clinical testing. Allele origin: germline.

Ambry Genetics
Classification: Likely benign for Hereditary cancer-predisposing syndrome. Last evaluated: 2021-02-01. Review status: criteria provided, single submitter. Criteria: Ambry Variant Classification Scheme 2023. Collection method: clinical testing. Allele origin: germline.

NM_004360.5(CDH1):c.1890A>C (p.Leu630=)

Gene: CDH1 (cadherin 1; plus strand). Cytogenetic location: 16q22.1.
Variant type: single nucleotide variant.
Coding change: c.1890A>C on transcript NM_004360.5 (MANE Select); coding-DNA position 1890, A replaced by C.
Protein change: p.Leu630=; no amino-acid change (leucine 630 retained).
Molecular consequence: synonymous variant. On other transcripts: 5 prime UTR variant (1).
Genome position (GRCh38, 1-based): chr16:68,822,179, A>C. VCF-style: chr16-68822179-A-C. GRCh37 (hg19) VCF-style: chr16-68856082-A-C.
Other names: c.1707A>C, p.Leu569= (NM_001317184.2); c.342A>C, p.Leu114= (NM_001317185.2); c.-76A>C (NM_001317186.2).
Identifiers: ClinVar variation 1142728 (VCV001142728.12), dbSNP rs1178759799, ClinGen allele CA496392918.